The following is an entry in ClinVar:

ClinVar aggregate classification (germline): Uncertain significance (1 of 4 stars; one submission).

gnomAD v4.1: 8 of 1,595,920 alleles (0.0005%); highest among the groups gnomAD compares: Non-Finnish European, 0.00068%; no homozygotes.

Submission:

Labcorp Genetics (formerly Invitae), Labcorp
Classification: Uncertain significance. Last evaluated: 2022-10-04. Review status: criteria provided, single submitter. Criteria: Invitae Variant Classification Sherloc (09022015). Collection method: clinical testing. Allele origin: germline.
Comment: In summary, the available evidence is currently insufficient to determine the role of this variant in disease. Therefore, it has been classified as a Variant of Uncertain Significance. This sequence change replaces serine, which is neutral and polar, with tryptophan, which is neutral and slightly polar, at codon 743 of the PACS2 protein (p.Ser743Trp). This variant is not present in population databases (gnomAD no frequency). Advanced modeling of protein sequence and biophysical properties (such as structural, functional, and spatial information, amino acid conservation, physicochemical variation, residue mobility, and thermodynamic stability) performed at Invitae indicates that this missense variant is expected to disrupt PACS2 protein function. This variant has not been reported in the literature in individuals affected with PACS2-related conditions.

NM_001100913.3(PACS2):c.2228C>G (p.Ser743Trp)

Gene: PACS2 (phosphofurin acidic cluster sorting protein 2; plus strand). Cytogenetic location: 14q32.33.
Variant type: single nucleotide variant.
Coding change: c.2228C>G on transcript NM_001100913.3 (MANE Select); coding-DNA position 2228, C replaced by G.
Protein change: p.Ser743Trp; replaces serine 743 with tryptophan.
Molecular consequence: missense variant.
Genome position (GRCh38, 1-based): chr14:105,391,739, C>G. VCF-style: chr14-105391739-C-G. GRCh37 (hg19) VCF-style: chr14-105858076-C-G.
Other names: c.1958C>G, p.Ser653Trp (NM_001243127.3); c.2183C>G, p.Ser728Trp (NM_015197.4); short protein forms S653W, S728W, S743W.
Identifiers: ClinVar variation 2091033 (VCV002091033.4), dbSNP rs372438559, ClinGen allele CA391186024.